The following is an entry in ClinVar:

NM_001048174.2(MUTYH):c.1297G>A (p.Glu433Lys)

Gene: MUTYH (mutY DNA glycosylase; minus strand). Cytogenetic location: 1p34.1.
Variant type: single nucleotide variant.
Coding change: c.1297G>A on transcript NM_001048174.2 (MANE Select); coding-DNA position 1297, G replaced by A.
Protein change: p.Glu433Lys; replaces glutamic acid 433 with lysine.
Molecular consequence: missense variant. On other transcripts: non-coding transcript variant (7).
Genome position (GRCh38, 1-based): chr1:45,331,277, C>T on the plus strand (G>A on the coding strand, the complement: MUTYH is on the minus strand). VCF-style: chr1-45331277-C-T. GRCh37 (hg19) VCF-style: chr1-45796949-C-T.
Other names: c.1297G>A, p.Glu433Lys (NM_001048171.2, NM_001048173.2, NM_001293195.2 and 6 more transcripts); c.1300G>A, p.Glu434Lys (NM_001048172.2, NM_001407071.1, NM_001407078.1 and 1 more transcripts); c.1381G>A, p.Glu461Lys (NM_001128425.2); c.1342G>A, p.Glu448Lys (NM_001293190.2); c.1330G>A, p.Glu444Lys (NM_001293191.2, NM_001407069.1, NM_001407077.1); c.1021G>A, p.Glu341Lys (NM_001293192.2, NM_001293196.2, NM_001407091.1); c.952G>A, p.Glu318Lys (NM_001350650.2, NM_001350651.2, NM_001407082.1); c.1213G>A, p.Glu405Lys (NM_001407075.1); and 5 more; short protein forms E419K, E433K, E440K, E444K, E341K, E447K, E461K, E405K.
Identifiers: ClinVar variation 4113201 (VCV004113201.1).

ClinVar aggregate classification (germline): Uncertain significance (1 of 4 stars; one submission).

Conditions:
Hereditary cancer-predisposing syndrome. Also called: Tumor predisposition; Neoplastic Syndromes, Hereditary; Hereditary neoplastic syndrome; Hereditary Cancer Syndrome. Identifiers: Orphanet 140162, MedGen C0027672, MeSH D009386, MONDO:0015356.

Submission:

Ambry Genetics
Classification: Uncertain significance for Hereditary cancer-predisposing syndrome. Last evaluated: 2025-08-27. Review status: criteria provided, single submitter. Criteria: Ambry Variant Classification Scheme 2023. Collection method: clinical testing. Allele origin: germline.
Comment: The p.E461K variant (also known as c.1381G>A), located in coding exon 14 of the MUTYH gene, results from a G to A substitution at nucleotide position 1381. The glutamic acid at codon 461 is replaced by lysine, an amino acid with similar properties. This amino acid position is conserved. In addition, the in silico prediction for this alteration is inconclusive. Based on the available evidence, the clinical significance of this variant remains unclear.